The following is an entry in ClinVar:

ClinVar aggregate classification (germline): Uncertain significance. Review status: criteria provided, multiple submitters, no conflicts (2 of 4 stars). 3 submissions from 3 submitters: Uncertain significance (2). 1 of the submissions does not count toward it. Last evaluated 2026-04-20.

Conditions:
CIITA-related disorder. Also called: CIITA-related condition.
MHC class II deficiency. Also called: Bare lymphocyte syndrome 2; BLS, TYPE II. Identifiers: Orphanet 572, MedGen C5447452, MONDO:0008855.

Allele frequency attached by ClinVar (database versions not stated): ExAC 0.00017; TOPMed 0.00049; ESP Exome Variant Server 0.00069; 1000 Genomes Project 0.00100; 1000 Genomes Project 30x 0.00109.
gnomAD v4.1: 128 of 1,614,132 alleles (0.0079%); highest among the groups gnomAD compares: African/African-American, 0.16%; no homozygotes.

Submissions (3):

PreventionGenetics, part of Exact Sciences
Classification: Uncertain significance for CIITA-related condition. Last evaluated: 2026-04-20. Review status: criteria provided, single submitter. Criteria: ACMG Guidelines, 2015. Collection method: clinical testing. Allele origin: germline.
Comment: The CIITA c.950C>A variant is predicted to result in the amino acid substitution p.Ser317Tyr. To our knowledge, this variant has not been reported in the literature. This variant is reported in 0.16% of alleles in individuals of African descent in gnomAD. At this time, the clinical significance of this variant is uncertain due to the absence of conclusive functional and genetic evidence.

Labcorp Genetics (formerly Invitae), Labcorp
Classification: Uncertain significance for MHC class II deficiency. Last evaluated: 2022-08-19. Review status: criteria provided, single submitter. Criteria: Invitae Variant Classification Sherloc (09022015). Collection method: clinical testing. Allele origin: germline.
Comment: This sequence change replaces serine, which is neutral and polar, with tyrosine, which is neutral and polar, at codon 317 of the CIITA protein (p.Ser317Tyr). This variant is present in population databases (rs116253192, gnomAD 0.2%). This variant has not been reported in the literature in individuals affected with CIITA-related conditions. ClinVar contains an entry for this variant (Variation ID: 991981). Algorithms developed to predict the effect of missense changes on protein structure and function are either unavailable or do not agree on the potential impact of this missense change (SIFT: "Tolerated"; PolyPhen-2: "Possibly Damaging"; Align-GVGD: "Class C0"). In summary, the available evidence is currently insufficient to determine the role of this variant in disease. Therefore, it has been classified as a Variant of Uncertain Significance.

Natera, Inc.
Classification: Likely benign for Bare lymphocyte syndrome type II. Last evaluated: 2020-04-24. Review status: no assertion criteria provided. Collection method: clinical testing. Allele origin: germline. Not counted in ClinVar's aggregate classification.

NM_000246.4(CIITA):c.950C>A (p.Ser317Tyr)

Gene: CIITA (class II major histocompatibility complex transactivator; plus strand). Cytogenetic location: 16p13.13.
Variant type: single nucleotide variant.
Coding change: c.950C>A on transcript NM_000246.4 (MANE Select); coding-DNA position 950, C replaced by A.
Protein change: p.Ser317Tyr; replaces serine 317 with tyrosine.
Molecular consequence: missense variant. On other transcripts: non-coding transcript variant (1).
Genome position (GRCh38, 1-based): chr16:10,904,756, C>A. VCF-style: chr16-10904756-C-A. GRCh37 (hg19) VCF-style: chr16-10998613-C-A.
Other names: c.950C>A, p.Ser317Tyr (NM_001379333.1); c.881C>A, p.Ser294Tyr (NM_001379334.1); c.953C>A, p.Ser318Tyr (NM_001286402.1, NM_001379332.1); c.803C>A, p.Ser268Tyr (NM_001286403.2, NM_001379331.1); c.806C>A, p.Ser269Tyr (NM_001379330.1); short protein forms S268Y, S269Y, S294Y, S317Y, S318Y.
Identifiers: ClinVar variation 991981 (VCV000991981.4), dbSNP rs116253192, ClinGen allele CA7899978.